The following is an entry in ClinVar:

ClinVar aggregate classification (germline): Pathogenic. Review status: criteria provided, multiple submitters, no conflicts (2 of 4 stars). 3 submissions from 3 submitters: Pathogenic (3). Last evaluated 2023-11-04.

Conditions:
Usher syndrome type 2A. Also called: RETINAL DISEASE IN USHER SYNDROME TYPE IIA, MODIFIER OF; USHER SYNDROME, TYPE IIA. Identifiers: Orphanet 231178, Orphanet 886, MedGen C1848634, MONDO:0010169, OMIM 276901.

Submissions (3):

Genome-Nilou Lab
Classification: Pathogenic for Usher syndrome type 2A. Last evaluated: 2023-11-04. Review status: criteria provided, single submitter. Criteria: ACMG Guidelines, 2015. Collection method: clinical testing. Allele origin: germline. Affected: no.

CeGaT Center for Human Genetics Tuebingen
Classification: Pathogenic. Last evaluated: 2022-06-01. Review status: criteria provided, single submitter. Criteria: CeGaT Center For Human Genetics Tuebingen Variant Classification Criteria Version 2. Collection method: clinical testing. Allele origin: germline. Affected: yes. Observed: 1 variant allele.
Comment: USH2A: PVS1, PM2

Labcorp Genetics (formerly Invitae), Labcorp
Classification: Pathogenic. Last evaluated: 2020-11-23. Review status: criteria provided, single submitter. Criteria: Invitae Variant Classification Sherloc (09022015). Collection method: clinical testing. Allele origin: germline.
Comment: For these reasons, this variant has been classified as Pathogenic. This variant has not been reported in the literature in individuals with USH2A-related conditions. This variant is not present in population databases (ExAC no frequency). This sequence change creates a premature translational stop signal (p.His2302Leufs*24) in the USH2A gene. It is expected to result in an absent or disrupted protein product. Loss-of-function variants in USH2A are known to be pathogenic (PMID: 10729113, 10909849, 20507924, 25649381).

Literature cited by the submitters: PubMed 10729113 (cited by Labcorp Genetics (formerly Invitae), Labcorp); PubMed 10909849 (cited by Labcorp Genetics (formerly Invitae), Labcorp); PubMed 20507924 (cited by Labcorp Genetics (formerly Invitae), Labcorp); PubMed 25649381 (cited by Labcorp Genetics (formerly Invitae), Labcorp).

NM_206933.4(USH2A):c.6905del (p.His2302fs)

Gene: USH2A (usherin; minus strand). Cytogenetic location: 1q41.
Variant type: Deletion.
Coding change: c.6905del on transcript NM_206933.4 (MANE Select); coding-DNA position 6905, one base deleted (A; older notation c.6905delA).
Protein change: p.His2302fs; shifts the reading frame from histidine 2302.
Molecular consequence: frameshift variant.
Genome position (GRCh38, 1-based): chr1:215,970,677, T deleted on the plus strand (A on the coding strand, the reverse complement: USH2A is on the minus strand). VCF-style (leftmost placement, unchanged base first): chr1-215970676-AT-A. GRCh37 (hg19) VCF-style: chr1-216144018-AT-A.
Other names: short protein forms H2302fs.
Identifiers: ClinVar variation 1364201 (VCV001364201.36), dbSNP rs2102458388, ClinGen allele CA2573131660.